The following is an entry in ClinVar:

ClinVar aggregate classification (germline): Benign/Likely benign. Review status: criteria provided, multiple submitters, no conflicts (2 of 4 stars). 3 submissions from 3 submitters: Benign (2); Likely benign (1). Last evaluated 2025-08-01.

Allele frequency attached by ClinVar (database versions not stated): 1000 Genomes Project 0.00359; 1000 Genomes Project 30x 0.00390; gnomAD 0.00675 and 0.00691; ESP Exome Variant Server 0.00753; ExAC 0.00763; gnomAD exomes 0.00764 and 0.00832.
gnomAD v4.1: 13,109 of 1,610,442 alleles (0.81%); highest among the groups gnomAD compares: Middle Eastern, 1.3%; 58 homozygotes.

Submissions (3):

CeGaT Center for Human Genetics Tuebingen
Classification: Likely benign. Last evaluated: 2025-08-01. Review status: criteria provided, single submitter. Criteria: CeGaT Center For Human Genetics Tuebingen Variant Classification Criteria Version 2. Collection method: clinical testing. Allele origin: germline. Affected: yes. Observed: 1 variant allele.
Comment: TCHH: BP4, BP7, BS2

Labcorp Genetics (formerly Invitae), Labcorp
Classification: Benign. Last evaluated: 2019-12-31. Review status: criteria provided, single submitter. Criteria: Invitae Variant Classification Sherloc (09022015). Collection method: clinical testing. Allele origin: germline.

Breakthrough Genomics
Classification: Benign. Review status: criteria provided, single submitter. Criteria: ACMG Guidelines, 2015. Collection method: not provided. Allele origin: germline. Inheritance: Autosomal recessive inheritance. Affected: yes.

NM_007113.4(TCHH):c.1887G>A (p.Arg629=)

Gene: TCHH (trichohyalin; minus strand). Cytogenetic location: 1q21.3.
Variant type: single nucleotide variant.
Coding change: c.1887G>A on transcript NM_007113.4 (MANE Select); coding-DNA position 1887, G replaced by A.
Protein change: p.Arg629=; no amino-acid change (arginine 629 retained).
Molecular consequence: synonymous variant.
Genome position (GRCh38, 1-based): chr1:152,111,330, C>T on the plus strand (G>A on the coding strand, the complement: TCHH is on the minus strand). VCF-style: chr1-152111330-C-T. GRCh37 (hg19) VCF-style: chr1-152083806-C-T.
Identifiers: ClinVar variation 782911 (VCV000782911.13), dbSNP rs200947543, ClinGen allele CA1098666.